The following is an entry in ClinVar:

NM_000155.4(GALT):c.136_140del (p.Ala46fs)

Genes: GALT (galactose-1-phosphate uridylyltransferase; plus strand), LOC130001683 (ATAC-STARR-seq lymphoblastoid active region 28314; plus strand). Cytogenetic location: 9p13.3.
Variant type: Deletion.
Coding change: c.136_140del on transcript NM_000155.4 (MANE Select); coding-DNA positions 136 to 140, 5 bases deleted (GCTCA; older notation c.136_140delGCTCA).
Protein change: p.Ala46fs; shifts the reading frame from alanine 46.
Molecular consequence: frameshift variant. On other transcripts: 5 prime UTR variant (1).
Genome position (GRCh38, 1-based): chr9:34,647,142-34,647,146, GCTCA deleted; deleting any 5 consecutive bases within chr9:34,647,139-34,647,146 gives the same sequence; the c. name uses the placement nearest the transcript's 3' end. VCF-style (leftmost placement, unchanged base first): chr9-34647138-GTCAGC-G. GRCh37 (hg19) VCF-style: chr9-34647135-GTCAGC-G.
Other names: NM_001258332.2:c.-67_-63del; c.-67_-63del (NM_001258332.2).
Identifiers: ClinVar variation 5021468 (VCV005021468.1), dbSNP rs111033651.

ClinVar aggregate classification (germline): Likely pathogenic (3 of 4 stars; one submission).

Conditions:
Galactosemia. Also called: Galactose intolerance. Identifiers: Orphanet 352, MedGen C0016952, MONDO:0018116, HP:0004919. Disease mechanism: loss of function.

Submission:

Clingen Galactosemia Variant Curation Expert Panel, ClinGen
Classification: Likely pathogenic for Galactosemia. Last evaluated: 2026-06-23. Review status: reviewed by expert panel. Criteria: ClinGen Galactosemia ACMG Specifications GALT V1.1. Collection method: curation. Allele origin: germline. Inheritance: Autosomal recessive inheritance.
Comment: The c.136_140del (p.Ala46ProfsTer22) variant, also known as c.134_138del, in GALT is a deletion variant predicted to cause a premature stop codon in biologically-relevant-exon 2/11 leading to nonsense mediated decay in a gene in which loss-of-function is an established disease mechanism (PVS1; PMIDs: 2940989, 22944367). Additionally, this truncation would eliminate the active site. This variant is absent from gnomAD v4.1.0 (PM2_Supporting). In summary, the ClinGen Galactosemia VCEP classified the variant as likely pathogenic based on PVS1 + PM2_supporting (GALT specifications v1.0.0).